The following is an entry in ClinVar:

NM_024675.4(PALB2):c.2544T>G (p.Asp848Glu)

Gene: PALB2 (partner and localizer of BRCA2; minus strand). Cytogenetic location: 16p12.2.
Variant type: single nucleotide variant.
Coding change: c.2544T>G on transcript NM_024675.4 (MANE Select); coding-DNA position 2544, T replaced by G.
Protein change: p.Asp848Glu; replaces aspartic acid 848 with glutamic acid.
Molecular consequence: missense variant.
Genome position (GRCh38, 1-based): chr16:23,629,246, A>C on the plus strand (T>G on the coding strand, the complement: PALB2 is on the minus strand). VCF-style: chr16-23629246-A-C. GRCh37 (hg19) VCF-style: chr16-23640567-A-C.
Other names: short protein forms D848E.
Identifiers: ClinVar variation 1171297 (VCV001171297.4), dbSNP rs753978124, ClinGen allele CA395123798.
Genomic context (GRCh38, chr16:23,629,246, plus strand): 5'-AGAGAATATTCTTCTGACCTTTAACTCTGAAACCAATTGTAGGTTGCCTGGGTTTATGCT[A>C]TCAGAAGCAGGAAGCTCTGCTGTTTCAGTCTGTGAAAACAAAAGTCACATCATTAGTCTA-3'
Protein context (NP_078951.2, residues 838-858): QTETAELPAS[Asp848Glu]SINPGNLQLV

ClinVar aggregate classification (germline): Uncertain significance. Review status: criteria provided, multiple submitters, no conflicts (2 of 4 stars). 2 submissions from 2 submitters: Uncertain significance (2). Last evaluated 2024-04-20.

Conditions:
Hereditary cancer-predisposing syndrome. Also called: Tumor predisposition; Hereditary neoplastic syndrome; Hereditary Cancer Syndrome; Neoplastic Syndromes, Hereditary. Identifiers: Orphanet 140162, MedGen C0027672, MeSH D009386, MONDO:0015356.

Submissions (2):

Ambry Genetics
Classification: Uncertain significance for Hereditary cancer-predisposing syndrome. Last evaluated: 2024-04-20. Review status: criteria provided, single submitter. Criteria: Ambry Variant Classification Scheme 2023. Collection method: clinical testing. Allele origin: germline.
Comment: The p.D848E variant (also known as c.2544T>G), located in coding exon 6 of the PALB2 gene, results from a T to G substitution at nucleotide position 2544. The aspartic acid at codon 848 is replaced by glutamic acid, an amino acid with highly similar properties. This amino acid position is conserved. In addition, this alteration is predicted to be tolerated by in silico analysis. Based on the available evidence, the clinical significance of this variant remains unclear.

Color Diagnostics, LLC DBA Color Health
Classification: Uncertain significance for Hereditary cancer-predisposing syndrome. Last evaluated: 2024-03-07. Review status: criteria provided, single submitter. Criteria: ACMG Guidelines, 2015. Collection method: clinical testing. Allele origin: germline.
Comment: This missense variant replaces aspartic acid with glutamic acid at codon 848 of the PALB2 protein. Computational prediction suggests that this variant may not impact protein structure and function (internally defined REVEL score threshold <= 0.5, PMID: 27666373). To our knowledge, functional studies have not been reported for this variant. This variant has not been reported in individuals affected with hereditary cancer in the literature. This variant has not been identified in the general population by the Genome Aggregation Database (gnomAD). The available evidence is insufficient to determine the role of this variant in disease conclusively. Therefore, this variant is classified as a Variant of Uncertain Significance.